The following is an entry in ClinVar:

ClinVar aggregate classification (germline): Conflicting classifications of pathogenicity. Review status: criteria provided, conflicting classifications (1 of 4 stars). 4 submissions from 4 submitters: Uncertain significance (3); Likely benign (1). Last evaluated 2026-01-05.

Allele frequency attached by ClinVar (database versions not stated): ExAC 0.00016; ESP Exome Variant Server 0.00016; gnomAD exomes 0.00021 and 0.00039; TOPMed 0.00027; gnomAD 0.00032 and 0.00033.
gnomAD v4.1: 616 of 1,613,808 alleles (0.038%); highest among the groups gnomAD compares: Non-Finnish European, 0.047%; 1 homozygote.

Submissions (4):

Labcorp Genetics (formerly Invitae), Labcorp
Classification: Uncertain significance. Last evaluated: 2026-01-05. Review status: criteria provided, single submitter. Criteria: Invitae Variant Classification Sherloc (09022015). Collection method: clinical testing. Allele origin: germline.
Comment: This sequence change replaces threonine, which is neutral and polar, with isoleucine, which is neutral and non-polar, at codon 2828 of the PCLO protein (p.Thr2828Ile). This variant is present in population databases (rs189352647, gnomAD 0.04%), including at least one homozygous and/or hemizygous individual. This variant has not been reported in the literature in individuals affected with PCLO-related conditions. ClinVar contains an entry for this variant (Variation ID: 1417472). Experimental studies and prediction algorithms are not available or were not evaluated, and the functional significance of this variant is currently unknown. In summary, the available evidence is currently insufficient to determine the role of this variant in disease. Therefore, it has been classified as a Variant of Uncertain Significance.

CeGaT Center for Human Genetics Tuebingen
Classification: Likely benign. Last evaluated: 2024-11-01. Review status: criteria provided, single submitter. Criteria: CeGaT Center For Human Genetics Tuebingen Variant Classification Criteria Version 2. Collection method: clinical testing. Allele origin: germline. Affected: yes. Observed: 1 variant allele.
Comment: PCLO: BP4, BS1:Supporting

Women's Health and Genetics/Laboratory Corporation of America, LabCorp
Classification: Uncertain significance. Last evaluated: 2023-12-07. Review status: criteria provided, single submitter. Criteria: LabCorp Variant Classification Summary - May 2015. Collection method: clinical testing. Allele origin: germline.
Comment: Variant summary: PCLO c.8483C>T (p.Thr2828Ile) results in a non-conservative amino acid change in the encoded protein sequence. Four of five in-silico tools predict a damaging effect of the variant on protein function. The variant allele was found at a frequency of 0.00021 in 248962 control chromosomes in the gnomAD database, including 1 homozygotes. This frequency is not significantly higher than estimated for a pathogenic variant in PCLO causing Pontocerebellar Hypoplasia Type 3, allowing no conclusion about variant significance. To our knowledge, no occurrence of c.8483C>T in individuals affected with Pontocerebellar Hypoplasia Type 3 and no experimental evidence demonstrating its impact on protein function have been reported. One submitter has cited clinical-significance assessments for this variant to ClinVar after 2014 and has classified the variant as uncertain significance. Based on the evidence outlined above, the variant was classified as uncertain significance.

Breakthrough Genomics
Classification: Uncertain significance. Review status: criteria provided, single submitter. Criteria: ACMG Guidelines, 2015. Collection method: not provided. Allele origin: germline. Inheritance: Autosomal recessive inheritance. Affected: yes.

NM_033026.6(PCLO):c.8483C>T (p.Thr2828Ile)

Gene: PCLO (piccolo presynaptic cytomatrix protein; minus strand). Cytogenetic location: 7q21.11.
Variant type: single nucleotide variant.
Coding change: c.8483C>T on transcript NM_033026.6 (MANE Select); coding-DNA position 8483, C replaced by T.
Protein change: p.Thr2828Ile; replaces threonine 2828 with isoleucine.
Molecular consequence: missense variant.
Genome position (GRCh38, 1-based): chr7:82,952,470, G>A on the plus strand (C>T on the coding strand, the complement: PCLO is on the minus strand). VCF-style: chr7-82952470-G-A. GRCh37 (hg19) VCF-style: chr7-82581786-G-A.
Other names: c.8483C>T, p.Thr2828Ile (NM_014510.3); short protein forms T2828I.
Identifiers: ClinVar variation 1417472 (VCV001417472.21), dbSNP rs189352647, ClinGen allele CA4320113.